The following is an entry in ClinVar:

NM_001258400.2(FAM187A):c.1116T>G (p.Pro372=)

Genes: DNAAF19 (dynein axonemal assembly factor 19; plus strand), FAM187A (family with sequence similarity 187 member A; plus strand), GFAP (glial fibrillary acidic protein; minus strand). Cytogenetic location: 17q21.31.
Variant type: single nucleotide variant.
Coding change: c.1116T>G on transcript NM_001258400.2 (MANE Select); coding-DNA position 1116, T replaced by G.
Protein change: p.Pro372=; no amino-acid change (proline 372 retained).
Molecular consequence: synonymous variant. On other transcripts: 3 prime UTR variant (7).
Genome position (GRCh38, 1-based): chr17:44,904,945, T>G. VCF-style: chr17-44904945-T-G. GRCh37 (hg19) VCF-style: chr17-42982313-T-G.
Other names: c.*2402A>C (NM_002055.5); c.*2128T>G (NM_001258395.2, NM_001258396.2, NM_213607.3); c.*2607T>G (NM_001258397.3); c.*2546T>G (NM_001258398.3, NM_001258399.2).
Identifiers: ClinVar variation 3341738 (VCV003341738.16).

ClinVar aggregate classification (germline): Likely benign (1 of 4 stars; one submission).

Submission:

CeGaT Center for Human Genetics Tuebingen
Classification: Likely benign. Last evaluated: 2024-08-01. Review status: criteria provided, single submitter. Criteria: CeGaT Center For Human Genetics Tuebingen Variant Classification Criteria Version 2. Collection method: clinical testing. Allele origin: germline. Affected: yes. Observed: 1 variant allele.
Comment: FAM187A: PM2:Supporting, BP4, BP7